The following is an entry in ClinVar:

NM_004068.4(AP2M1):c.1064T>A (p.Ile355Asn)

Gene: AP2M1 (adaptor related protein complex 2 subunit mu 1; plus strand). Cytogenetic location: 3q27.1.
Variant type: single nucleotide variant.
Coding change: c.1064T>A on transcript NM_004068.4 (MANE Select); coding-DNA position 1064, T replaced by A.
Protein change: p.Ile355Asn; replaces isoleucine 355 with asparagine.
Molecular consequence: missense variant.
Genome position (GRCh38, 1-based): chr3:184,182,759, T>A. VCF-style: chr3-184182759-T-A. GRCh37 (hg19) VCF-style: chr3-183900547-T-A.
Other names: c.1058T>A, p.Ile353Asn (NM_001025205.2); c.1139T>A, p.Ile380Asn (NM_001311198.2); short protein forms I353N, I355N, I380N.
Identifiers: ClinVar variation 3342699 (VCV003342699.2).

ClinVar aggregate classification (germline): Uncertain significance (1 of 4 stars; one submission).

Submission:

GeneDx
Classification: Uncertain significance. Last evaluated: 2025-01-16. Review status: criteria provided, single submitter. Criteria: GeneDx Variant Classification Process June 2021. Collection method: clinical testing. Allele origin: germline.
Comment: Not observed at significant frequency in large population cohorts (gnomAD); In silico analysis supports that this missense variant has a deleterious effect on protein structure/function; Has not been previously published as pathogenic or benign to our knowledge